The following is an entry in ClinVar:

ClinVar aggregate classification (germline): Benign/Likely benign. Review status: criteria provided, multiple submitters, no conflicts (2 of 4 stars). 4 submissions from 4 submitters: Benign (2); Likely benign (1). 1 of the submissions does not count toward it. Last evaluated 2026-08-01.

Conditions:
YARS1-related disorder. Also called: YARS1-related condition.
Charcot-Marie-Tooth disease dominant intermediate C (CMTDIC). Also called: CHARCOT-MARIE-TOOTH NEUROPATHY, DOMINANT INTERMEDIATE C. Identifiers: Orphanet 100045, MedGen C1842237, MONDO:0012012, OMIM 608323.

Allele frequency attached by ClinVar (database versions not stated): gnomAD exomes 0.00026 and 0.00071; ExAC 0.00105; 1000 Genomes Project 30x 0.00172; 1000 Genomes Project 0.00200; gnomAD 0.00315 and 0.00343; TOPMed 0.00346; ESP Exome Variant Server 0.00446.
gnomAD v4.1: 872 of 1,614,218 alleles (0.054%); highest among the groups gnomAD compares: African/African-American, 1.1%; 9 homozygotes.

Submissions (4):

CeGaT Center for Human Genetics Tuebingen
Classification: Likely benign. Last evaluated: 2026-08-01. Review status: criteria provided, single submitter. Criteria: CeGaT Center For Human Genetics Tuebingen Variant Classification Criteria Version 2. Collection method: clinical testing. Allele origin: germline. Affected: yes. Observed: 2 variant alleles.
Comment: YARS1: BP4, BS1

Labcorp Genetics (formerly Invitae), Labcorp
Classification: Benign for Charcot-Marie-Tooth disease dominant intermediate C. Last evaluated: 2026-01-25. Review status: criteria provided, single submitter. Criteria: Invitae Variant Classification Sherloc (09022015). Collection method: clinical testing. Allele origin: germline.

GeneDx
Classification: Benign. Last evaluated: 2017-02-10. Review status: criteria provided, single submitter. Criteria: GeneDx Variant Classification (06012015). Collection method: clinical testing. Allele origin: germline. Affected: yes.
Comment: This variant is considered likely benign or benign based on one or more of the following criteria: it is a conservative change, it occurs at a poorly conserved position in the protein, it is predicted to be benign by multiple in silico algorithms, and/or has population frequency not consistent with disease.

PreventionGenetics, part of Exact Sciences
Classification: Benign for YARS1-related condition. Last evaluated: 2019-06-18. Review status: no assertion criteria provided. Collection method: clinical testing. Allele origin: germline. Not counted in ClinVar's aggregate classification.
Comment: This variant is classified as benign based on ACMG/AMP sequence variant interpretation guidelines (Richards et al. 2015 PMID: 25741868, with internal and published modifications).

NM_003680.4(YARS1):c.1082A>T (p.Glu361Val)

Gene: YARS1 (tyrosyl-tRNA synthetase 1; minus strand). Cytogenetic location: 1p35.1.
Variant type: single nucleotide variant.
Coding change: c.1082A>T on transcript NM_003680.4 (MANE Select); coding-DNA position 1082, A replaced by T.
Protein change: p.Glu361Val; replaces glutamic acid 361 with valine.
Molecular consequence: missense variant.
Genome position (GRCh38, 1-based): chr1:32,781,106, T>A on the plus strand (A>T on the coding strand, the complement: YARS1 is on the minus strand). VCF-style: chr1-32781106-T-A. GRCh37 (hg19) VCF-style: chr1-33246707-T-A.
Other names: short protein forms E361V.
Identifiers: ClinVar variation 464871 (VCV000464871.20), dbSNP rs61737106, ClinGen allele CA744992.